The following is an entry in ClinVar:

ClinVar aggregate classification (germline): Benign/Likely benign. Review status: criteria provided, multiple submitters, no conflicts (2 of 4 stars). 2 submissions from 2 submitters: Benign (1); Likely benign (1). Last evaluated 2025-03-18.

Submissions (2):

Labcorp Genetics (formerly Invitae), Labcorp
Classification: Benign. Last evaluated: 2025-03-18. Review status: criteria provided, single submitter. Criteria: Invitae Variant Classification Sherloc (09022015). Collection method: clinical testing. Allele origin: germline.

GeneDx
Classification: Likely benign. Last evaluated: 2018-05-23. Review status: criteria provided, single submitter. Criteria: GeneDx Variant Classification (06012015). Collection method: clinical testing. Allele origin: germline. Affected: yes.
Comment: This variant is considered likely benign or benign based on one or more of the following criteria: it is a conservative change, it occurs at a poorly conserved position in the protein, it is predicted to be benign by multiple in silico algorithms, and/or has population frequency not consistent with disease.

NM_021939.4(FKBP10):c.246-3del

Gene: FKBP10 (FKBP prolyl isomerase 10; plus strand). Cytogenetic location: 17q21.2.
Variant type: Deletion.
Coding change: c.246-3del on transcript NM_021939.4 (MANE Select); 3 bases into the intron before coding-DNA position 246, one base deleted (C; older notation c.246-3delC).
Molecular consequence: intron variant.
Genome position (GRCh38, 1-based): chr17:41,817,055, C deleted; the last of 8 consecutive C bases (chr17:41,817,048-41,817,055); deleting any one gives the same sequence. VCF-style (leftmost placement, unchanged base first): chr17-41817047-TC-T. GRCh37 (hg19) VCF-style: chr17-39973299-TC-T.
Identifiers: ClinVar variation 668483 (VCV000668483.4), dbSNP rs781920419, ClinGen allele CA8566167.